The following is an entry in ClinVar:

NM_004863.4(SPTLC2):c.70G>C (p.Glu24Gln)

Gene: SPTLC2 (serine palmitoyltransferase long chain base subunit 2; minus strand). Cytogenetic location: 14q24.3.
Variant type: single nucleotide variant.
Coding change: c.70G>C on transcript NM_004863.4 (MANE Select); coding-DNA position 70, G replaced by C.
Protein change: p.Glu24Gln; replaces glutamic acid 24 with glutamine.
Molecular consequence: missense variant.
Genome position (GRCh38, 1-based): chr14:77,616,510, C>G on the plus strand (G>C on the coding strand, the complement: SPTLC2 is on the minus strand). VCF-style: chr14-77616510-C-G. GRCh37 (hg19) VCF-style: chr14-78082853-C-G.
Other names: short protein forms E24Q.
Identifiers: ClinVar variation 538847 (VCV000538847.10), dbSNP rs1555379648, ClinGen allele CA390712351.

ClinVar aggregate classification (germline): Uncertain significance. Review status: criteria provided, multiple submitters, no conflicts (2 of 4 stars). 3 submissions from 3 submitters: Uncertain significance (3). Last evaluated 2025-07-06.

Conditions:
SPTLC2-related disorder. Also called: SPTLC2-related condition.
Neuropathy, hereditary sensory and autonomic, type 1C. Also called: HSAN IC; HSN IC. Identifiers: Orphanet 36386, MedGen C3150896, MONDO:0013337, OMIM 613640.

gnomAD v4.1: 2 of 1,534,502 alleles (0.00013%); highest among the groups gnomAD compares: Non-Finnish European, 0.00017%; no homozygotes.

Submissions (3):

PreventionGenetics, part of Exact Sciences
Classification: Uncertain significance for SPTLC2-related condition. Last evaluated: 2025-07-06. Review status: criteria provided, single submitter. Criteria: ACMG Guidelines, 2015. Collection method: clinical testing. Allele origin: germline.
Comment: The SPTLC2 c.70G>C variant is predicted to result in the amino acid substitution p.Glu24Gln. To our knowledge, this variant has not been reported in the literature or in a large population database (gnomAD), indicating this variant is rare. At this time, the clinical significance of this variant is uncertain due to the absence of conclusive functional and genetic evidence.

GeneDx
Classification: Uncertain significance. Last evaluated: 2024-08-27. Review status: criteria provided, single submitter. Criteria: GeneDx Variant Classification Process June 2021. Collection method: clinical testing. Allele origin: germline. Affected: yes.
Comment: Not observed at significant frequency in large population cohorts (gnomAD); In silico analysis indicates that this missense variant does not alter protein structure/function; Has not been previously published as pathogenic or benign to our knowledge

Labcorp Genetics (formerly Invitae), Labcorp
Classification: Uncertain significance for Neuropathy, hereditary sensory and autonomic, type 1C. Last evaluated: 2023-06-04. Review status: criteria provided, single submitter. Criteria: Invitae Variant Classification Sherloc (09022015). Collection method: clinical testing. Allele origin: germline.
Comment: This sequence change replaces glutamic acid, which is acidic and polar, with glutamine, which is neutral and polar, at codon 24 of the SPTLC2 protein (p.Glu24Gln). This variant is not present in population databases (gnomAD no frequency). This variant has not been reported in the literature in individuals affected with SPTLC2-related conditions. ClinVar contains an entry for this variant (Variation ID: 538847). An algorithm developed to predict the effect of missense changes on protein structure and function (PolyPhen-2) suggests that this variant is likely to be tolerated. In summary, the available evidence is currently insufficient to determine the role of this variant in disease. Therefore, it has been classified as a Variant of Uncertain Significance.